The following is an entry in ClinVar:

NM_001005361.3(DNM2):c.1573T>G (p.Trp525Gly)

Gene: DNM2 (dynamin 2; plus strand). Cytogenetic location: 19p13.2.
Variant type: single nucleotide variant.
Coding change: c.1573T>G on transcript NM_001005361.3 (MANE Select); coding-DNA position 1573, T replaced by G.
Protein change: p.Trp525Gly; replaces tryptophan 525 with glycine.
Molecular consequence: missense variant.
Genome position (GRCh38, 1-based): chr19:10,812,279, T>G. VCF-style: chr19-10812279-T-G. GRCh37 (hg19) VCF-style: chr19-10922955-T-G.
Other names: c.1573T>G, p.Trp525Gly (NM_001005360.3, NM_001190716.2); c.1561T>G, p.Trp521Gly (NM_001005362.3, NM_004945.4); short protein forms W521G, W525G.
Identifiers: ClinVar variation 3235984 (VCV003235984.1), dbSNP rs2513304277, ClinGen allele CA404039400.
Genomic context (GRCh38, chr19:10,812,279, plus strand): 5'-GGGCACGGAGCGAGGTTCCCTGCTAAGCTGCGCGCTTTCCCCCAGGTGATCCGCAGGGGC[T>G]GGCTGACCATCAACAACATCAGCCTGATGAAAGGCGGCTCCAAGGAGTACTGGTTTGTGC-3'
Protein context (NP_001005361.1, residues 515-535): QGEILVIRRG[Trp525Gly]LTINNISLMK

ClinVar aggregate classification (germline): Uncertain significance (1 of 4 stars; one submission).

Conditions:
Charcot-Marie-Tooth disease dominant intermediate B (CMTDIB). Also called: CHARCOT-MARIE-TOOTH NEUROPATHY, DOMINANT INTERMEDIATE B; Charcot-Marie-Tooth disease dominant intermediate 1; CMT DI1; Charcot-Marie-Tooth disease dominant intermediate I. Identifiers: Orphanet 100044, Orphanet 228179, MedGen C1847902, MONDO:0011674, OMIM 606482.

Submission:

MVZ Medizinische Genetik Mainz
Classification: Uncertain significance for Charcot-Marie-Tooth disease dominant intermediate B. Last evaluated: 2023-05-05. Review status: criteria provided, single submitter. Criteria: UK Practice Guidelines For Variant Classification V4 01 2020. Collection method: clinical testing. Allele origin: germline. Inheritance: Autosomal dominant inheritance. Affected: yes. Observed: 1 variant allele.
Comment: ACMG Criteria: PP3_MOD,PM1_SUP,PM2_SUP,PP2